The following is an entry in ClinVar:

ClinVar aggregate classification (germline): Pathogenic (1 of 4 stars; one submission).

Conditions:
Hearing loss, autosomal recessive 57. Also called: DEAFNESS, AUTOSOMAL RECESSIVE 57. Identifiers: MedGen C4693893, MONDO:0033201, OMIM 618003.

Submission:

Victorian Clinical Genetics Services, Murdoch Childrens Research Institute
Classification: Pathogenic for Hearing loss, autosomal recessive 57. Last evaluated: 2022-02-02. Review status: criteria provided, single submitter. Criteria: ACMG Guidelines, 2015. Collection method: clinical testing. Allele origin: germline. Inheritance: Autosomal recessive inheritance.
Comment: Based on the classification scheme VCGS_Germline_v1.3.4, this variant is classified as Pathogenic. Following criteria are met: 0102 - Loss of function is a known mechanism of disease in this gene relating to null variants and is associated with deafness 57 (MIM#618003) and Usher syndrome, type IIC (MIM#605472). The mechanism associated with missense variants is currently unclear. (I) 0106 - This gene is known to be associated with autosomal recessive disease. (I) 0201 - Variant is predicted to cause nonsense-mediated decay (NMD) and loss of protein (premature termination codon is located at least 54 nucleotides upstream of the final exon-exon junction). (SP) 0251 - Variant is heterozygous. (I) 0301 - Variant is absent from gnomAD (both v2 and v3). (SP) 0701 – Other null variants comparable to the one identified in this case have very strong previous evidence for pathogenicity. There are at least ten NMD-predicted variants that have been classified as likely pathogenic or pathogenic (ClinVar). (SP) 0807 - This variant has no previous evidence of pathogenicity. (I) 0905 - No published segregation evidence has been identified for this variant. (I) 1007 - No published functional evidence has been identified for this variant. (I) Legend: (SP) - Supporting pathogenic, (I) - Information, (SB) - Supporting benign

NM_001195263.2(PDZD7):c.668del (p.Gly223fs)

Gene: PDZD7 (PDZ domain containing 7; minus strand). Cytogenetic location: 10q24.31.
Variant type: Deletion.
Coding change: c.668del on transcript NM_001195263.2 (MANE Select); coding-DNA position 668, one base deleted (G; older notation c.668delG).
Protein change: p.Gly223fs; shifts the reading frame from glycine 223.
Molecular consequence: frameshift variant.
Genome position (GRCh38, 1-based): chr10:101,022,260, C deleted on the plus strand (G on the coding strand, the reverse complement: PDZD7 is on the minus strand); the first of 3 consecutive C bases (chr10:101,022,260-101,022,262); deleting any one gives the same sequence. VCF-style (leftmost placement, unchanged base first): chr10-101022259-GC-G. GRCh37 (hg19) VCF-style: chr10-102782016-GC-G.
Other names: c.668del, p.Gly223fs (NM_001351044.2, NM_024895.5); short protein forms G223fs.
Identifiers: ClinVar variation 1806296 (VCV001806296.1), dbSNP rs2134088502, ClinGen allele CA923726110.